The following is an entry in ClinVar:

ClinVar aggregate classification (germline): Uncertain significance. Review status: criteria provided, multiple submitters, no conflicts (2 of 4 stars). 9 submissions from 5 submitters: Uncertain significance (7). 2 of the submissions do not count toward it. Last evaluated 2025-11-10.

Conditions:
Hereditary cryohydrocytosis with reduced stomatin. Also called: Stomatin-deficient cryohydrocytosis with neurologic defects; GLUT1 DEFICIENCY SYNDROME WITH PSEUDOHYPERKALEMIA AND HEMOLYSIS. Identifiers: Orphanet 168577, MedGen C1837206, MONDO:0012143, OMIM 608885.
Epilepsy, idiopathic generalized, susceptibility to, 12 (EIG12). Identifiers: MedGen C3553859, MONDO:0013919, OMIM 614847.
Dystonia 9 (DYT9). Also called: CHOREOATHETOSIS, KINESIGENIC, WITH EPISODIC ATAXIA AND SPASTICITY. Identifiers: Orphanet 53583, MedGen C1832855, MONDO:0010983, OMIM 601042.
Childhood onset GLUT1 deficiency syndrome 2. Also called: Paroxysmal exercise-induced dystonia; GLUT1 deficiency syndrome 2; Exertion-induced paroxysmal dyskinesia; PAROXYSMAL EXERCISE-INDUCED DYSKINESIA WITH OR WITHOUT EPILEPSY AND/OR HEMOLYTIC ANEMIA; PAROXYSMAL EXERTION-INDUCED DYSTONIA WITH OR WITHOUT EPILEPSY AND/OR HEMOLYTIC ANEMIA; PED WITH OR WITHOUT EPILEPSY AND/OR HEMOLYTIC ANEMIA. Identifiers: Orphanet 98811, MedGen C1842534, MONDO:0012805, OMIM 612126.
Encephalopathy due to GLUT1 deficiency. Also called: Glucose transporter protein syndrome; GLUT1 deficiency syndrome 1; Classic Glucose Transporter Type 1 Deficiency Syndrome; De Vivo disease; GLUCOSE TRANSPORT DEFECT, BLOOD-BRAIN BARRIER; GLUT1 deficiency syndrome 1, infantile onset, severe. Identifiers: Orphanet 71277, MedGen C4551966, MONDO:0011724, OMIM 606777.
GLUT1 deficiency syndrome 1, autosomal recessive. Identifiers: MedGen C3149117.

Submissions (9):

Labcorp Genetics (formerly Invitae), Labcorp
Classification: Uncertain significance for GLUT1 deficiency syndrome 1, autosomal recessive. Last evaluated: 2025-11-10. Review status: criteria provided, single submitter. Criteria: Invitae Variant Classification Sherloc (09022015). Collection method: clinical testing. Allele origin: germline.
Comment: This sequence change replaces lysine, which is basic and polar, with valine, which is neutral and non-polar, at codon 256 of the SLC2A1 protein (p.Lys256Val). This variant is present in population databases (rs80359822, gnomAD 0.001%). This missense change has been observed in individual(s) with SLC2A1-related conditions (PMID: 20687207). ClinVar contains an entry for this variant (Variation ID: 16108). An algorithm developed to predict the effect of missense changes on protein structure and function (PolyPhen-2) suggests that this variant is likely to be disruptive. Experimental studies are conflicting or provide insufficient evidence to determine the effect of this variant on SLC2A1 function (PMID: 21069159). In summary, the available evidence is currently insufficient to determine the role of this variant in disease. Therefore, it has been classified as a Variant of Uncertain Significance.

Genome-Nilou Lab
Classification: Uncertain significance for Epilepsy, idiopathic generalized, susceptibility to, 12. Last evaluated: 2023-04-11. Review status: criteria provided, single submitter. Criteria: ACMG Guidelines, 2015. Collection method: clinical testing. Allele origin: germline. Affected: no.

Genome-Nilou Lab
Classification: Uncertain significance for Dystonia 9. Last evaluated: 2023-04-11. Review status: criteria provided, single submitter. Criteria: ACMG Guidelines, 2015. Collection method: clinical testing. Allele origin: germline. Affected: no.

Genome-Nilou Lab
Classification: Uncertain significance for Encephalopathy due to GLUT1 deficiency. Last evaluated: 2023-04-11. Review status: criteria provided, single submitter. Criteria: ACMG Guidelines, 2015. Collection method: clinical testing. Allele origin: germline. Affected: no.

Genome-Nilou Lab
Classification: Uncertain significance for Childhood onset GLUT1 deficiency syndrome 2. Last evaluated: 2023-04-11. Review status: criteria provided, single submitter. Criteria: ACMG Guidelines, 2015. Collection method: clinical testing. Allele origin: germline. Affected: no.

Genome-Nilou Lab
Classification: Uncertain significance for Hereditary cryohydrocytosis with reduced stomatin. Last evaluated: 2023-04-11. Review status: criteria provided, single submitter. Criteria: ACMG Guidelines, 2015. Collection method: clinical testing. Allele origin: germline. Affected: no.

GeneDx
Classification: Uncertain significance. Last evaluated: 2017-05-05. Review status: criteria provided, single submitter. Criteria: GeneDx Variant Classification (06012015). Collection method: clinical testing. Allele origin: germline. Affected: yes.
Comment: A variant of unknown significance has been identified in the SLC2A1 gene. The c.766_767delAAinsGT variant was previously identified in an individual with features consistent with Glut-1 deficiency syndrome; however, it was inherited from the unaffected mother, and this individual also harbored another SLC2A1 missense variant that was de novo (Wang et al., 2000; Rotstein et al., 2010). The c.766_767delAAinsGT variant is not observed in large population cohorts (Lek et al., 2016; 1000 Genomes Consortium et al., 2015; Exome Variant Server). The c.766_767delAAinsGT variant results in an in-frame deletion of a single Lysine residue and the insertion of a single Valine residue, denoted p.K256V. Functional studies have shown that K256V results in decreased glucose transport (Jiang et al., 2010). The K256V variant is a non-conservative amino acid substitution, which is likely to impact secondary protein structure as these residues differ in polarity, charge, size and/or other properties. This substitution occurs at a position that is highly conserved across species. In silico analysis predicts this variant is probably damaging to the protein structure/function. Based on the currently available information, it is unclear whether this variant is a pathogenic mutation or a rare benign variant.

OMIM
Classification: Pathogenic for GLUT1 DEFICIENCY SYNDROME 1, AUTOSOMAL RECESSIVE. Last evaluated: 2010-12-01. Review status: no assertion criteria provided. Collection method: literature only. Allele origin: germline. Not counted in ClinVar's aggregate classification.

GeneReviews
No classification provided. Condition: Encephalopathy due to GLUT1 deficiency. Review status: no classification provided. Collection method: literature only. Allele origin: germline. Not counted in ClinVar's aggregate classification.

Literature cited by the submitters: PubMed 20687207 (cited by Labcorp Genetics (formerly Invitae), Labcorp and OMIM); PubMed 21069159 (cited by Labcorp Genetics (formerly Invitae), Labcorp); PubMed 10980529 (cited by OMIM); NCBI Bookshelf NBK1430 (cited by GeneReviews).

NM_006516.4(SLC2A1):c.766_767delinsGT (p.Lys256Val)

Gene: SLC2A1 (solute carrier family 2 member 1; minus strand). Cytogenetic location: 1p34.2.
Variant type: Indel.
Coding change: c.766_767delinsGT on transcript NM_006516.4 (MANE Select); coding-DNA positions 766 to 767, AA replaced by GT.
Protein change: p.Lys256Val; replaces lysine 256 with valine.
Molecular consequence: missense variant.
Genome position (GRCh38, 1-based): chr1:42,929,693-42,929,694, TT replaced by AC on the plus strand (AA replaced by GT on the coding strand, the reverse complement: SLC2A1 is on the minus strand). VCF-style: chr1-42929693-TT-AC. GRCh37 (hg19) VCF-style: chr1-43395364-TT-AC.
Other names: p.K256V:AAG>GTG; short protein forms K256V.
Identifiers: ClinVar variation 16108 (VCV000016108.13), dbSNP rs80359822, ClinGen allele CA019315.